The following is an entry in ClinVar:

ClinVar aggregate classification (germline): Conflicting classifications of pathogenicity. Review status: criteria provided, conflicting classifications (1 of 4 stars). 5 submissions from 5 submitters: Uncertain significance (1); Benign (1); Likely benign (3). Last evaluated 2025-04-22.

Conditions:
MYO15A-related disorder. Also called: MYO15A-related condition.
Autosomal recessive nonsyndromic hearing loss 3. Also called: NEUROSENSORY NONSYNDROMIC RECESSIVE DEAFNESS 3. Identifiers: Orphanet 90636, MedGen C1838263, MONDO:0010860, OMIM 600316.

Allele frequency attached by ClinVar (database versions not stated): gnomAD 0.00008 and 0.00020; TOPMed 0.00015; gnomAD exomes 0.00027 and 0.00041; 1000 Genomes Project 30x 0.00062; ExAC 0.00079; 1000 Genomes Project 0.00080.
gnomAD v4.1: 417 of 1,603,426 alleles (0.026%); highest among the groups gnomAD compares: East Asian, 0.68%; 2 homozygotes.

Submissions (5):

Labcorp Genetics (formerly Invitae), Labcorp
Classification: Benign. Last evaluated: 2025-04-22. Review status: criteria provided, single submitter. Criteria: Invitae Variant Classification Sherloc (09022015). Collection method: clinical testing. Allele origin: germline.

PreventionGenetics, part of Exact Sciences
Classification: Likely benign for MYO15A-related condition. Last evaluated: 2024-12-24. Review status: criteria provided, single submitter. Criteria: ACMG Guidelines, 2015. Collection method: clinical testing. Allele origin: germline.
Comment: This variant is classified as likely benign based on ACMG/AMP sequence variant interpretation guidelines (Richards et al. 2015 PMID: 25741868, with internal and published modifications).

Blueprint Genetics
Classification: Likely benign. Last evaluated: 2024-04-02. Review status: criteria provided, single submitter. Criteria: ACMG Guidelines, 2015. Collection method: clinical testing. Allele origin: germline.

GeneDx
Classification: Likely benign. Last evaluated: 2021-06-25. Review status: criteria provided, single submitter. Criteria: GeneDx Variant Classification Process June 2021. Collection method: clinical testing. Allele origin: germline. Affected: yes.

Illumina Laboratory Services, Illumina
Classification: Uncertain significance for Autosomal recessive nonsyndromic hearing loss 3. Last evaluated: 2018-01-12. Review status: criteria provided, single submitter. Criteria: ICSL Variant Classification Criteria 13 December 2019. Collection method: clinical testing. Allele origin: germline.

NM_016239.4(MYO15A):c.6795C>T (p.Thr2265=)

Gene: MYO15A (myosin XVA; plus strand). Cytogenetic location: 17p11.2.
Variant type: single nucleotide variant.
Coding change: c.6795C>T on transcript NM_016239.4 (MANE Select); coding-DNA position 6795, C replaced by T.
Protein change: p.Thr2265=; no amino-acid change (threonine 2265 retained).
Molecular consequence: synonymous variant.
Genome position (GRCh38, 1-based): chr17:18,148,791, C>T. VCF-style: chr17-18148791-C-T. GRCh37 (hg19) VCF-style: chr17-18052105-C-T.
Identifiers: ClinVar variation 755980 (VCV000755980.15), dbSNP rs78015149, ClinGen allele CA8424677.
Genomic context (GRCh38, chr17:18,148,791, plus strand): 5'-CATTTCCATTCCTGTGCATGCCATCACCAGGGGGCTGGCAGATGGCTGGCGCGGCTGGAC[C>T]GTGGCCATGAAGAATGGTGTCCAGTGGGCAGAGCTGGCTGGCCACGACTACGTGTTAGAC-3'
Protein context (NP_057323.3, residues 2255-2275): RGLADGWRGW[Thr2265=]VAMKNGVQWA